The following is an entry in ClinVar:

NM_002834.5(PTPN11):c.691C>T (p.Arg231Ter)

Gene: PTPN11 (protein tyrosine phosphatase non-receptor type 11; plus strand). Cytogenetic location: 12q24.13.
Variant type: single nucleotide variant.
Coding change: c.691C>T on transcript NM_002834.5 (MANE Select); coding-DNA position 691, C replaced by T.
Protein change: p.Arg231Ter; replaces arginine 231 with a stop codon.
Molecular consequence: nonsense.
Genome position (GRCh38, 1-based): chr12:112,455,998, C>T. VCF-style: chr12-112455998-C-T. GRCh37 (hg19) VCF-style: chr12-112893802-C-T.
Other names: c.691C>T, p.Arg231Ter (NM_001330437.2, NM_080601.3); c.688C>T, p.Arg230Ter (NM_001374625.1); c.691C>T (NM_002834.3); short protein forms R231*, R230*.
Identifiers: ClinVar variation 1367799 (VCV001367799.8), dbSNP rs2038154558, ClinGen allele CA386784198.

ClinVar aggregate classification (germline): Pathogenic/Likely pathogenic. Review status: criteria provided, multiple submitters, no conflicts (2 of 4 stars). 3 submissions from 3 submitters: Pathogenic (2); Likely pathogenic (1). Last evaluated 2026-02-20.

Conditions:
Cardiovascular phenotype. Identifiers: MedGen CN230736.
Noonan syndrome 1 (NS1). Also called: FEMALE PSEUDO-TURNER SYNDROME; TURNER PHENOTYPE WITH NORMAL KARYOTYPE; PTPN11-Related Noonan Syndrome. Identifiers: Orphanet 648, MedGen C4551602, MONDO:0008104, OMIM 163950. Disease mechanism: gain of function.
Metachondromatosis (METCDS). Identifiers: Orphanet 2499, MedGen C0410530, MONDO:0007979, OMIM 156250.
Juvenile myelomonocytic leukemia (JMML). Also called: LEUKEMIA, JUVENILE MYELOMONOCYTIC, SOMATIC. Identifiers: Orphanet 86834, MedGen C0349639, MONDO:0011908, OMIM 607785, HP:0012209.
LEOPARD syndrome 1 (LPRD1). Also called: LENTIGINOSIS, CARDIOMYOPATHIC; MULTIPLE LENTIGINES SYNDROME; PTPN11-Related LEOPARD Syndrome. Identifiers: Orphanet 500, MedGen C4551484, MONDO:0100082, OMIM 151100.
RASopathy. Also called: Noonan spectrum disorder; rasopathies. Identifiers: Orphanet 536391, MedGen C5555857, MONDO:0021060.

Allele frequency attached by ClinVar (database versions not stated): gnomAD exomes below 0.00001; TOPMed below 0.00001.
gnomAD v4.1: 1 of 1,612,534 alleles (0.000062%); highest among the groups gnomAD compares: Non-Finnish European, 0.000085%; no homozygotes.

Submissions (3):

Ambry Genetics
Classification: Pathogenic for Cardiovascular phenotype. Last evaluated: 2026-02-20. Review status: criteria provided, single submitter. Criteria: Ambry Variant Classification Scheme 2023. Collection method: clinical testing. Allele origin: germline.
Comment: The c.691C>T (p.R231*) alteration, located in exon 6 (coding exon 6) of the PTPN11 gene, consists of a C to T substitution at nucleotide position 691. This changes the amino acid from a arginine (R) to a stop codon at amino acid position 231. This variant is expected to result in loss of function by premature protein truncation or nonsense-mediated mRNA decay. for Metachondromatosis; however, its clinical significance for PTPN11-related RASopathy is uncertain. This variant was not reported in population-based cohorts in the Genome Aggregation Database (gnomAD). Based on the available evidence, this alteration is classified as pathogenic.

Fulgent Genetics
Classification: Likely pathogenic for LEOPARD syndrome 1; Metachondromatosis; Noonan syndrome 1; Juvenile myelomonocytic leukemia. Last evaluated: 2021-07-22. Review status: criteria provided, single submitter. Criteria: ACMG Guidelines, 2015. Collection method: clinical testing. Allele origin: unknown.

Labcorp Genetics (formerly Invitae), Labcorp
Classification: Pathogenic for RASopathy. Last evaluated: 2021-06-17. Review status: criteria provided, single submitter. Criteria: Invitae Variant Classification Sherloc (09022015). Collection method: clinical testing. Allele origin: germline.
Comment: This sequence change creates a premature translational stop signal (p.Arg231*) in the PTPN11 gene. It is expected to result in an absent or disrupted protein product. Loss-of-function variants in PTPN11 are known to be pathogenic (PMID: 20577567, 21533187). This variant is not present in population databases (ExAC no frequency). This variant has not been reported in the literature in individuals with PTPN11-related conditions. For these reasons, this variant has been classified as Pathogenic.

Literature cited by the submitters: PubMed 20577567 (cited by Labcorp Genetics (formerly Invitae), Labcorp); PubMed 21533187 (cited by Labcorp Genetics (formerly Invitae), Labcorp).